The following is an entry in ClinVar:

ClinVar aggregate classification (germline): Likely benign (1 of 4 stars; one submission).

Conditions:
ABCC12-related condition.

gnomAD v4.1: 49 of 1,614,086 alleles (0.003%); highest among the groups gnomAD compares: East Asian, 0.091%; no homozygotes.

Submission:

PreventionGenetics, part of Exact Sciences
Classification: Likely benign for ABCC12-related condition. Last evaluated: 2026-05-28. Review status: criteria provided, single submitter. Criteria: ACMG Guidelines, 2015. Collection method: clinical testing. Allele origin: germline.
Comment: This variant is classified as likely benign based on ACMG/AMP sequence variant interpretation guidelines (Richards et al. 2015 PMID: 25741868, with internal and published modifications).

NM_001393797.1(ABCC12):c.2125-3C>T

Gene: ABCC12 (ATP binding cassette subfamily C member 12; minus strand). Cytogenetic location: 16q12.1.
Variant type: single nucleotide variant.
Coding change: c.2125-3C>T on transcript NM_001393797.1 (MANE Select); 3 bases into the intron before coding-DNA position 2125, C replaced by T.
Molecular consequence: intron variant.
Genome position (GRCh38, 1-based): chr16:48,111,665, G>A on the plus strand (C>T on the coding strand, the complement: ABCC12 is on the minus strand). VCF-style: chr16-48111665-G-A. GRCh37 (hg19) VCF-style: chr16-48145576-G-A.
Other names: c.2125-3C>T (NM_033226.3).
Identifiers: ClinVar variation 4978543 (VCV004978543.1).